The following is an entry in ClinVar:

ClinVar aggregate classification (germline): Uncertain significance (1 of 4 stars; one submission).

Conditions:
RASopathy. Also called: Noonan spectrum disorder; rasopathies. Identifiers: Orphanet 536391, MedGen C5555857, MONDO:0021060.

Allele frequency attached by ClinVar (database versions not stated): gnomAD exomes below 0.00001.
gnomAD v4.1: 1 of 1,614,176 alleles (0.000062%); highest among the groups gnomAD compares: Non-Finnish European, 0.000085%; no homozygotes.

Submission:

Labcorp Genetics (formerly Invitae), Labcorp
Classification: Uncertain significance for RASopathy. Last evaluated: 2022-05-05. Review status: criteria provided, single submitter. Criteria: Invitae Variant Classification Sherloc (09022015). Collection method: clinical testing. Allele origin: germline.
Comment: In summary, the available evidence is currently insufficient to determine the role of this variant in disease. Therefore, it has been classified as a Variant of Uncertain Significance. Advanced modeling of protein sequence and biophysical properties (such as structural, functional, and spatial information, amino acid conservation, physicochemical variation, residue mobility, and thermodynamic stability) performed at Invitae indicates that this missense variant is not expected to disrupt BRAF protein function. This variant has not been reported in the literature in individuals affected with BRAF-related conditions. This variant is not present in population databases (gnomAD no frequency). This sequence change replaces threonine, which is neutral and polar, with proline, which is neutral and non-polar, at codon 107 of the BRAF protein (p.Thr107Pro).

NM_004333.6(BRAF):c.319A>C (p.Thr107Pro)

Gene: BRAF (B-Raf proto-oncogene, serine/threonine kinase; minus strand). Cytogenetic location: 7q34.
Variant type: single nucleotide variant.
Coding change: c.319A>C on transcript NM_004333.6 (MANE Select); coding-DNA position 319, A replaced by C.
Protein change: p.Thr107Pro; replaces threonine 107 with proline.
Molecular consequence: missense variant. On other transcripts: intron variant (1).
Genome position (GRCh38, 1-based): chr7:140,834,794, T>G on the plus strand (A>C on the coding strand, the complement: BRAF is on the minus strand). VCF-style: chr7-140834794-T-G. GRCh37 (hg19) VCF-style: chr7-140534594-T-G.
Other names: c.319A>C, p.Thr107Pro (NM_001354609.2, NM_001374244.1, NM_001374258.1 and 5 more transcripts); c.217A>C, p.Thr73Pro (NM_001378470.1); c.163A>C, p.Thr55Pro (NM_001378472.1, NM_001378473.1); c.240+15317A>C (NM_001378475.1); short protein forms T107P, T73P, T55P.
Identifiers: ClinVar variation 1407044 (VCV001407044.6), dbSNP rs2129062208, ClinGen allele CA369593797.